The following is an entry in ClinVar:

NM_000441.2(SLC26A4):c.2009T>C (p.Val670Ala)

Gene: SLC26A4 (solute carrier family 26 member 4; plus strand). Cytogenetic location: 7q22.3.
Variant type: single nucleotide variant.
Coding change: c.2009T>C on transcript NM_000441.2 (MANE Select); coding-DNA position 2009, T replaced by C.
Protein change: p.Val670Ala; replaces valine 670 with alanine.
Molecular consequence: missense variant.
Genome position (GRCh38, 1-based): chr7:107,702,032, T>C. VCF-style: chr7-107702032-T-C. GRCh37 (hg19) VCF-style: chr7-107342477-T-C.
Other names: short protein forms V670A.
Identifiers: ClinVar variation 558599 (VCV000558599.12), dbSNP rs200712253, ClinGen allele CA4433000.

ClinVar aggregate classification (germline): Conflicting classifications of pathogenicity. Review status: criteria provided, conflicting classifications (1 of 4 stars). 10 submissions from 9 submitters: Likely pathogenic (1); Uncertain significance (7); Likely benign (1). 1 of the submissions does not count toward it. Last evaluated 2025-11-04.

Conditions:
Autosomal recessive nonsyndromic hearing loss 4 (DFNB4). Also called: FOXI1-Related Pendred Syndrome; KCNJ10-Related Pendred Syndrome; Deafness, autosomal recessive 4, with enlarged vestibular aqueduct; Deafness, autosomal recessive 4; NEUROSENSORY NONSYNDROMIC RECESSIVE DEAFNESS 4; Nonsyndromic enlarged vestibular aqueduct (NSEVA). Identifiers: Orphanet 90636, MedGen C3538946, MONDO:0010933, OMIM 600791.
Pendred syndrome (PDS). Also called: Pendred's syndrome; THYROID DYSHORMONOGENESIS 2B; THYROID HORMONOGENESIS, GENETIC DEFECT IN, 2B; DEAFNESS WITH GOITER; GOITER-DEAFNESS SYNDROME; HYPOTHYROIDISM, CONGENITAL, DUE TO DYSHORMONOGENESIS, 2B. Identifiers: Orphanet 705, MedGen C0271829, MONDO:0010134, OMIM 274600.

Allele frequency attached by ClinVar (database versions not stated): gnomAD 0.00002 and 0.00003; TOPMed 0.00004; ExAC 0.00006; gnomAD exomes 0.00007 and 0.00001; 1000 Genomes Project 30x 0.00016; 1000 Genomes Project 0.00020.
gnomAD v4.1: 19 of 1,613,066 alleles (0.0012%); highest among the groups gnomAD compares: East Asian, 0.038%; no homozygotes.

Submissions (10):

Women's Health and Genetics/Laboratory Corporation of America, LabCorp
Classification: Uncertain significance. Last evaluated: 2025-11-04. Review status: criteria provided, single submitter. Criteria: LabCorp Variant Classification Summary - May 2015. Collection method: clinical testing. Allele origin: germline.
Comment: Variant summary: SLC26A4 c.2009T>C (p.Val670Ala) results in a non-conservative amino acid change in the encoded protein sequence. Algorithms developed to predict the effect of missense changes on protein structure and function all suggest that this variant is likely to be disruptive. The variant allele was found at a frequency of 6.8e-05 in 251214 control chromosomes. This frequency is not significantly higher than estimated for disease-causing variants in SLC26A4, allowing no conclusion about variant significance. c.2009T>C has been observed in individuals affected with Pendred Syndrome and/or Sensorineural Hearing Loss (e.g. Zhao_2014, Jiang_2015, Wu_2019, Jin_2024). These data indicate that the variant may be associated with disease. To our knowledge, no experimental evidence demonstrating an impact on protein function has been reported. The following publications have been ascertained in the context of this evaluation (PMID: 26252218, 39767564, 25372295, 30762455). ClinVar contains an entry for this variant (Variation ID: 558599). Based on the evidence outlined above, the variant was classified as VUS-possibly pathogenic.

Myriad Genetics, Inc.
Classification: Uncertain significance for Pendred syndrome. Last evaluated: 2025-10-13. Review status: criteria provided, single submitter. Criteria: Myriad Autosomal Dominant, Autosomal Recessive and X-Linked Classification Criteria (2023). Collection method: clinical testing. Allele origin: unknown.
Comment: NM_000441.1(SLC26A4):c.2009T>C(V670A) is a missense variant classified as a variant of uncertain significance in the context of Pendred syndrome. V670A has been observed in a case with relevant disease (PMID: 25372295). Relevant functional assessments of this variant are not available in the literature. V670A has been observed in referenced population frequency databases. In summary, there is insufficient evidence to classify NM_000441.1(SLC26A4):c.2009T>C(V670A) as pathogenic or benign. Please note: this variant was assessed in the context of healthy population screening.

GeneDx
Classification: Likely pathogenic. Last evaluated: 2024-12-10. Review status: criteria provided, single submitter. Criteria: GeneDx Variant Classification Process June 2021. Collection method: clinical testing. Allele origin: germline. Affected: yes.
Comment: In silico analysis supports that this missense variant has a deleterious effect on protein structure/function; This variant is associated with the following publications: (PMID: 17443271, 34308486, 35611242, 29605365, 30842343, 30651814, 25372295, 26252218)

Labcorp Genetics (formerly Invitae), Labcorp
Classification: Uncertain significance. Last evaluated: 2022-05-09. Review status: criteria provided, single submitter. Criteria: Invitae Variant Classification Sherloc (09022015). Collection method: clinical testing. Allele origin: germline.
Comment: This sequence change replaces valine, which is neutral and non-polar, with alanine, which is neutral and non-polar, at codon 670 of the SLC26A4 protein (p.Val670Ala). This variant is present in population databases (rs200712253, gnomAD 0.1%). This missense change has been observed in individual(s) with clinical features of Pendred syndrome (PMID: 25372295). ClinVar contains an entry for this variant (Variation ID: 558599). Advanced modeling of protein sequence and biophysical properties (such as structural, functional, and spatial information, amino acid conservation, physicochemical variation, residue mobility, and thermodynamic stability) performed at Invitae indicates that this missense variant is not expected to disrupt SLC26A4 protein function. In summary, the available evidence is currently insufficient to determine the role of this variant in disease. Therefore, it has been classified as a Variant of Uncertain Significance.

Genome-Nilou Lab
Classification: Uncertain significance for Autosomal recessive nonsyndromic hearing loss 4. Last evaluated: 2021-09-05. Review status: criteria provided, single submitter. Criteria: ACMG Guidelines, 2015. Collection method: clinical testing. Allele origin: germline. Affected: no.

Genome-Nilou Lab
Classification: Uncertain significance for Pendred syndrome. Last evaluated: 2021-09-05. Review status: criteria provided, single submitter. Criteria: ACMG Guidelines, 2015. Collection method: clinical testing. Allele origin: germline. Affected: no.

Fulgent Genetics
Classification: Uncertain significance for Pendred syndrome; Autosomal recessive nonsyndromic hearing loss 4. Last evaluated: 2018-10-31. Review status: criteria provided, single submitter. Criteria: ACMG Guidelines, 2015. Collection method: clinical testing. Allele origin: unknown.

Juno Genomics, Hangzhou Juno Genomics, Inc
Classification: Uncertain significance for Autosomal recessive nonsyndromic hearing loss 4; Pendred syndrome. Review status: criteria provided, single submitter. Criteria: ACMG Guidelines, 2015. Collection method: clinical testing. Allele origin: germline.
Comment: Allele frequency is greater than expected for disorder.;Multiple lines of computational evidence support a deleterious effect on the gene or gene product.;For recessive disorders, detected in trans with a pathogenic variant.;Patient's phenotype or family history is highly specific for a disease with a single genetic etiology.

Precision Medicine Center, Zhengzhou University
Classification: Likely benign for Autosomal recessive nonsyndromic hearing loss 4. Review status: criteria provided, single submitter. Criteria: ACMG Guidelines, 2015. Collection method: clinical testing. Allele origin: germline. Inheritance: Autosomal recessive inheritance. Affected: no. Observed: 4 variant alleles.
Comment: Therefore, there are two individuals compound heterozygous for SLC26A4 c.919-2A>G and c.2009T>C, both with normal hearing. PP3_moderate+BS4

Counsyl
Classification: Uncertain significance for Pendred syndrome. Last evaluated: 2018-06-04. Review status: no assertion criteria provided. Collection method: clinical testing. Allele origin: unknown. Not counted in ClinVar's aggregate classification.

Literature cited by the submitters: PubMed 26252218 (cited by Women's Health and Genetics/Laboratory Corporation of America, LabCorp and Counsyl); PubMed 25372295 (cited by 4 submitters); PubMed 30762455 (cited by Women's Health and Genetics/Laboratory Corporation of America, LabCorp); PubMed 39767564 (cited by Women's Health and Genetics/Laboratory Corporation of America, LabCorp); PubMed 30311386 (cited by Precision Medicine Center, Zhengzhou University); PubMed 17443271 (cited by Counsyl).